The following is an entry in ClinVar:

ClinVar aggregate classification (germline): Uncertain significance (1 of 4 stars; one submission).

Submission:

Labcorp Genetics (formerly Invitae), Labcorp
Classification: Uncertain significance. Last evaluated: 2023-04-09. Review status: criteria provided, single submitter. Criteria: Invitae Variant Classification Sherloc (09022015). Collection method: clinical testing. Allele origin: germline.
Comment: This sequence change replaces arginine, which is basic and polar, with leucine, which is neutral and non-polar, at codon 5 of the DHX37 protein (p.Arg5Leu). This variant is not present in population databases (gnomAD no frequency). This variant has not been reported in the literature in individuals affected with DHX37-related conditions. An algorithm developed to predict the effect of missense changes on protein structure and function (PolyPhen-2) suggests that this variant is likely to be tolerated. In summary, the available evidence is currently insufficient to determine the role of this variant in disease. Therefore, it has been classified as a Variant of Uncertain Significance.

NM_032656.4(DHX37):c.14G>T (p.Arg5Leu)

Genes: DHX37 (DEAH-box helicase 37; minus strand), LOC130009166 (ATAC-STARR-seq lymphoblastoid silent region 5073; plus strand). Cytogenetic location: 12q24.31.
Variant type: single nucleotide variant.
Coding change: c.14G>T on transcript NM_032656.4 (MANE Select); coding-DNA position 14, G replaced by T.
Protein change: p.Arg5Leu; replaces arginine 5 with leucine.
Molecular consequence: missense variant.
Genome position (GRCh38, 1-based): chr12:124,989,009, C>A on the plus strand (G>T on the coding strand, the complement: DHX37 is on the minus strand). VCF-style: chr12-124989009-C-A. GRCh37 (hg19) VCF-style: chr12-125473555-C-A.
Other names: short protein forms R5L.
Identifiers: ClinVar variation 2854461 (VCV002854461.3), dbSNP rs2547149573, ClinGen allele CA387228929.